The following is an entry in ClinVar:

ClinVar aggregate classification (germline): Uncertain significance (1 of 4 stars; one submission).

Submission:

Quest Diagnostics Nichols Institute San Juan Capistrano
Classification: Uncertain significance. Last evaluated: 2025-10-07. Review status: criteria provided, single submitter. Criteria: Quest Diagnostics criteria. Collection method: clinical testing. Allele origin: unknown.
Comment: The RECQL c.530T>A (p.Met177Lys) variant has not been reported in individuals with RECQL-related conditions in the published literature. This variant also has not been reported in large, multi-ethnic general populations (Genome Aggregation Database). Analysis of this variant using bioinformatics tools for the prediction of the effect of amino acid changes on protein structure and function yielded predictions that this variant is damaging. Based on the available information, we are unable to determine the clinical significance of this variant.

NM_002907.4(RECQL):c.530T>A (p.Met177Lys)

Gene: RECQL (RecQ like helicase; minus strand). Cytogenetic location: 12p12.1.
Variant type: single nucleotide variant.
Coding change: c.530T>A on transcript NM_002907.4 (MANE Select); coding-DNA position 530, T replaced by A.
Protein change: p.Met177Lys; replaces methionine 177 with lysine.
Molecular consequence: missense variant.
Genome position (GRCh38, 1-based): chr12:21,483,546, A>T on the plus strand (T>A on the coding strand, the complement: RECQL is on the minus strand). VCF-style: chr12-21483546-A-T. GRCh37 (hg19) VCF-style: chr12-21636480-A-T.
Other names: c.530T>A, p.Met177Lys (NM_032941.3); short protein forms M177K.
Identifiers: ClinVar variation 4533063 (VCV004533063.1).